The following is an entry in ClinVar:

ClinVar aggregate classification (germline): Uncertain significance (1 of 4 stars; one submission).

Conditions:
Congenital adrenal insufficiency with 46, XY sex reversal OR 46,XY disorder of sex development-adrenal insufficiency due to CYP11A1 deficiency. Also called: Congenital adrenal insuffiency with 46, XY sex reversal OR 46,XY disorder of sex development-adrenal insufficiency due to CYP11A1 deficiency; P450scc DEFICIENCY. Identifiers: Orphanet 168558, MedGen C3151055, MONDO:0013400, OMIM 613743.

Submission:

Victorian Clinical Genetics Services, Murdoch Childrens Research Institute
Classification: Uncertain significance for Congenital adrenal insufficiency with 46, XY sex reversal OR 46,XY disorder of sex development-adrenal insufficiency due to CYP11A1 deficiency. Last evaluated: 2021-05-06. Review status: criteria provided, single submitter. Criteria: ACMG Guidelines, 2015. Collection method: clinical testing. Allele origin: germline. Inheritance: Autosomal recessive inheritance.
Comment: Based on the classification scheme VCGS_Germline_v1.3.4, this variant is classified as VUS-3A. Following criteria are met: 0102 - Loss of function is a known mechanism of disease in this gene and is associated with Adrenal insufficiency, congenital, with 46XY sex reversal, partial or complete (MIM#613743). (I) 0106 - This gene is associated with autosomal recessive disease. (I) 0212 - Non-canonical splice variant without proven consequence on splicing (no functional evidence available). (SP) 0252 - This variant is homozygous. (I) 0301 - Variant is absent from gnomAD (both v2 and v3). (SP) 0505 - Abnormal splicing is predicted by in silico tools and affected nucleotide is highly conserved. (SP) 0705 - No comparable variants have previous evidence for pathogenicity. The variant was in trans with a missense variant (PMID: 29178636). There are several reports of CYP11A1 truncating variants in 46, XX individuals (and 46, XY individuals with partial or complete sex reversal) with primary adrenal insufficiency (PMID: 30620006, PMID: 23337730, PMID: 21159840, PMID: 12161514, PMID: 15507506, PMID: 18182448, PMID: 30233493). (I) 0807 - This variant has no previous evidence of pathogenicity. (I) 0905 - No published segregation evidence has been identified for this variant. (I) 1007 - No published functional evidence has been identified for this variant. (I) 1209 - This variant has been shown to be both maternally and paternally inherited (biallelic) [(LABID)]. (I) Legend: (SP) - Supporting pathogenic, (I) - Information, (SB) - Supporting benign

Literature cited by the submitters: PubMed 12161514; PubMed 15507506; PubMed 18182448; PubMed 21159840; PubMed 23337730; PubMed 29178636; PubMed 30233493; PubMed 30620006.

NM_000781.3(CYP11A1):c.425+4A>T

Gene: CYP11A1 (cytochrome P450 family 11 subfamily A member 1; minus strand). Cytogenetic location: 15q24.1.
Variant type: single nucleotide variant.
Coding change: c.425+4A>T on transcript NM_000781.3 (MANE Select); 4 bases into the intron after coding-DNA position 425, A replaced by T.
Molecular consequence: intron variant.
Genome position (GRCh38, 1-based): chr15:74,347,896, T>A on the plus strand (A>T on the coding strand, the complement: CYP11A1 is on the minus strand). VCF-style: chr15-74347896-T-A. GRCh37 (hg19) VCF-style: chr15-74640237-T-A.
Other names: c.-50+4A>T (NM_001099773.2).
Identifiers: ClinVar variation 1804908 (VCV001804908.1), dbSNP rs2548332413, ClinGen allele CA923726145.